The following is an entry in ClinVar:

NM_001126108.2(SLC12A3):c.2522-218_2522-215del

Gene: SLC12A3 (solute carrier family 12 member 3; plus strand). Cytogenetic location: 16q13.
Variant type: Deletion.
Coding change: c.2522-218_2522-215del on transcript NM_001126108.2 (MANE Select); 218 bases into the intron before coding-DNA position 2522 through 215 bases into the intron before coding-DNA position 2522, 4 bases deleted (GTTT; older notation c.2522-218_2522-215delGTTT).
Molecular consequence: intron variant.
Genome position (GRCh38, 1-based): chr16:56,894,313-56,894,316, GTTT deleted; deleting any 4 consecutive bases within chr16:56,894,311-56,894,316 gives the same sequence; the c. name uses the placement nearest the transcript's 3' end. VCF-style (leftmost placement, unchanged base first): chr16-56894310-CTTGT-C. GRCh37 (hg19) VCF-style: chr16-56928222-CTTGT-C.
Other names: c.2549-218_2549-215del (NM_000339.3); c.2546-218_2546-215del (NM_001126107.2).
Identifiers: ClinVar variation 1684184 (VCV001684184.1), dbSNP rs1396799568, ClinGen allele CA622340428.
Genomic context (GRCh38, chr16:56,894,310, plus strand): 5'-CTGCCTCGGCCTCCCATAGTGCTGGGATTATAGGCATGAGCCATGGCGCCCGGCCGCCAG[CTTGT>C]TTATTTAAATATGCTGCACAAGCACAAATAAACCCTACCCCACAGAGCACCGTGTGCGAC-3'

ClinVar aggregate classification (germline): Likely benign (1 of 4 stars; one submission).

Conditions:
Familial hypokalemia-hypomagnesemia (GTLMNS). Also called: gitelman syndrome; HYPOMAGNESEMIA-HYPOKALEMIA, PRIMARY RENOTUBULAR, WITH HYPOCALCIURIA; POTASSIUM AND MAGNESIUM DEPLETION. Identifiers: Orphanet 358, MedGen C0268450, MONDO:0009904, OMIM 263800.

Submission:

European Hospital Georges Pompidou Genetics Department, Assistance Publique - Hôpitaux de Paris AP-HP
Classification: Likely benign for Familial hypokalemia-hypomagnesemia. Last evaluated: 2022-04-27. Review status: criteria provided, single submitter. Criteria: ACMG Guidelines, 2015. Collection method: clinical testing, in vitro. Allele origin: germline. Affected: yes.
Comment: ACMG criteria used:PM2, BS3